The following is an entry in ClinVar:

NM_001378615.1(CC2D2A):c.902del (p.Pro301fs)

Genes: CC2D2A (coiled-coil and C2 domain containing 2A; plus strand), FBXL5 (F-box and leucine rich repeat protein 5; minus strand). Cytogenetic location: 4p15.32.
Variant type: Deletion.
Coding change: c.902del on transcript NM_001378615.1 (MANE Select); coding-DNA position 902, one base deleted (C; older notation c.902delC).
Protein change: p.Pro301fs; shifts the reading frame from proline 301.
Molecular consequence: frameshift variant.
Genome position (GRCh38, 1-based): chr4:15,515,889, C deleted; the last of 2 consecutive C bases (chr4:15,515,888-15,515,889); deleting either gives the same sequence. VCF-style (leftmost placement, unchanged base first): chr4-15515887-TC-T. GRCh37 (hg19) VCF-style: chr4-15517510-TC-T.
Other names: c.902del, p.Pro301fs (NM_001080522.2); c.755del, p.Pro252fs (NM_001378617.1); short protein forms P252fs, P301fs.
Identifiers: ClinVar variation 5015191 (VCV005015191.1).

ClinVar aggregate classification (germline): Pathogenic (1 of 4 stars; one submission).

Conditions:
Joubert syndrome and related disorders. Identifiers: Orphanet 140874, MedGen C5679612, MONDO:0015369.

Submission:

Myriad Genetics, Inc.
Classification: Pathogenic for Joubert syndrome and related disorders. Last evaluated: 2025-11-10. Review status: criteria provided, single submitter. Criteria: Myriad Autosomal Dominant, Autosomal Recessive and X-Linked Classification Criteria (2023). Collection method: clinical testing. Allele origin: unknown.
Comment: NM_001080522.2(CC2D2A):c.902delC(P301Lfs*18) is expected to be pathogenic in the context of CC2D2A-related disorders. This variant is predicted to lead to an abnormal or absent protein product due to the creation of a premature termination codon in CC2D2A, a gene where loss-of-function variants are known to be pathogenic. Please note: this variant was assessed in the context of healthy population screening.